The following is an entry in ClinVar:

ClinVar aggregate classification (germline): Uncertain significance. Review status: criteria provided, multiple submitters, no conflicts (2 of 4 stars). 2 submissions from 2 submitters: Uncertain significance (2). Last evaluated 2025-12-19.

Allele frequency attached by ClinVar (database versions not stated): 1000 Genomes Project 30x 0.00031; 1000 Genomes Project 0.00040; gnomAD exomes 0.00001; ExAC 0.00005; ESP Exome Variant Server 0.00008; TOPMed 0.00016; gnomAD 0.00018.

Submissions (2):

Ambry Genetics
Classification: Uncertain significance. Last evaluated: 2025-12-19. Review status: criteria provided, single submitter. Criteria: Ambry Variant Classification Scheme 2023. Collection method: clinical testing. Allele origin: germline.

Labcorp Genetics (formerly Invitae), Labcorp
Classification: Uncertain significance. Last evaluated: 2025-06-22. Review status: criteria provided, single submitter. Criteria: Invitae Variant Classification Sherloc (09022015). Collection method: clinical testing. Allele origin: germline.
Comment: This sequence change replaces serine, which is neutral and polar, with proline, which is neutral and non-polar, at codon 222 of the SLC25A21 protein (p.Ser222Pro). This variant is present in population databases (rs146678499, gnomAD 0.05%). This variant has not been reported in the literature in individuals affected with SLC25A21-related conditions. ClinVar contains an entry for this variant (Variation ID: 3016779). Invitae Evidence Modeling of protein sequence and biophysical properties (such as structural, functional, and spatial information, amino acid conservation, physicochemical variation, residue mobility, and thermodynamic stability) has been performed for this missense variant. However, the output from this modeling did not meet the statistical confidence thresholds required to predict the impact of this variant on SLC25A21 protein function. In summary, the available evidence is currently insufficient to determine the role of this variant in disease. Therefore, it has been classified as a Variant of Uncertain Significance.

NM_030631.4(SLC25A21):c.664T>C (p.Ser222Pro)

Gene: SLC25A21 (solute carrier family 25 member 21; minus strand). Cytogenetic location: 14q13.3.
Variant type: single nucleotide variant.
Coding change: c.664T>C on transcript NM_030631.4 (MANE Select); coding-DNA position 664, T replaced by C.
Protein change: p.Ser222Pro; replaces serine 222 with proline.
Molecular consequence: missense variant.
Genome position (GRCh38, 1-based): chr14:36,684,865, A>G on the plus strand (T>C on the coding strand, the complement: SLC25A21 is on the minus strand). VCF-style: chr14-36684865-A-G. GRCh37 (hg19) VCF-style: chr14-37154070-A-G.
Other names: c.664T>C, p.Ser222Pro (NM_001171170.2); c.664T>C (NM_030631.3); short protein forms S222P.
Identifiers: ClinVar variation 3016779 (VCV003016779.4), dbSNP rs146678499, ClinGen allele CA7159229.